The following is an entry in ClinVar:

NM_001042492.3(NF1):c.3615del (p.Phe1205fs)

Gene: NF1 (neurofibromin 1; plus strand). Cytogenetic location: 17q11.2.
Variant type: Deletion.
Coding change: c.3615del on transcript NM_001042492.3 (MANE Select); coding-DNA position 3615, one base deleted (T; older notation c.3615delT).
Protein change: p.Phe1205fs; shifts the reading frame from phenylalanine 1205.
Molecular consequence: frameshift variant.
Genome position (GRCh38, 1-based): chr17:31,233,120, T deleted; the last of 3 consecutive T bases (chr17:31,233,118-31,233,120); deleting any one gives the same sequence. VCF-style (leftmost placement, unchanged base first): chr17-31233117-GT-G. GRCh37 (hg19) VCF-style: chr17-29560135-GT-G.
Other names: c.3615delT, p.Phe1205Leufs (NM_000267.4); short protein forms F1205fs.
Identifiers: ClinVar variation 2718708 (VCV002718708.3), dbSNP rs2508239588, ClinGen allele CA2697559805.

ClinVar aggregate classification (germline): Pathogenic (1 of 4 stars; one submission).

Conditions:
Neurofibromatosis, type 1 (NF1). Also called: Neurofibromatosis, type I; NEUROFIBROMATOSIS, TYPE I, SOMATIC; Peripheral type neurofibromatosis; VON RECKLINGHAUSEN DISEASE. Identifiers: Orphanet 636, MedGen C0027831, MONDO:0018975, OMIM 162200. Disease mechanism: loss of function.

Submission:

Labcorp Genetics (formerly Invitae), Labcorp
Classification: Pathogenic for Neurofibromatosis, type 1. Last evaluated: 2023-06-17. Review status: criteria provided, single submitter. Criteria: Invitae Variant Classification Sherloc (09022015). Collection method: clinical testing. Allele origin: germline.
Comment: This sequence change creates a premature translational stop signal (p.Phe1205Leufs*10) in the NF1 gene. It is expected to result in an absent or disrupted protein product. Loss-of-function variants in NF1 are known to be pathogenic (PMID: 10712197, 23913538). For these reasons, this variant has been classified as Pathogenic. This variant has not been reported in the literature in individuals affected with NF1-related conditions. This variant is not present in population databases (gnomAD no frequency).

Literature cited by the submitters: PubMed 10712197; PubMed 23913538.